The following is an entry in ClinVar:

ClinVar aggregate classification (germline): Uncertain significance (1 of 4 stars; one submission).

Submission:

Labcorp Genetics (formerly Invitae), Labcorp
Classification: Uncertain significance. Last evaluated: 2022-06-18. Review status: criteria provided, single submitter. Criteria: Invitae Variant Classification Sherloc (09022015). Collection method: clinical testing. Allele origin: germline.
Comment: In summary, the available evidence is currently insufficient to determine the role of this variant in disease. Therefore, it has been classified as a Variant of Uncertain Significance. Experimental studies and prediction algorithms are not available or were not evaluated, and the functional significance of this variant is currently unknown. This variant has not been reported in the literature in individuals affected with KIZ-related conditions. This variant is not present in population databases (gnomAD no frequency). This sequence change replaces leucine, which is neutral and non-polar, with proline, which is neutral and non-polar, at codon 274 of the KIZ protein (p.Leu274Pro).

NM_018474.6(KIZ):c.821T>C (p.Leu274Pro)

Gene: KIZ (kizuna centrosomal protein; plus strand). Cytogenetic location: 20p11.23.
Variant type: single nucleotide variant.
Coding change: c.821T>C on transcript NM_018474.6 (MANE Select); coding-DNA position 821, T replaced by C.
Protein change: p.Leu274Pro; replaces leucine 274 with proline.
Molecular consequence: missense variant.
Genome position (GRCh38, 1-based): chr20:21,162,286, T>C. VCF-style: chr20-21162286-T-C. GRCh37 (hg19) VCF-style: chr20-21142927-T-C.
Other names: c.512T>C, p.Leu171Pro (NM_001163022.3, NM_001352435.2); c.422T>C, p.Leu141Pro (NM_001163023.3); c.674T>C, p.Leu225Pro (NM_001276389.2); c.821T>C, p.Leu274Pro (NM_001352434.2); c.479T>C, p.Leu160Pro (NM_001352436.2); short protein forms L141P, L160P, L171P, L225P, L274P.
Identifiers: ClinVar variation 2008103 (VCV002008103.4), dbSNP rs2519757245, ClinGen allele CA408492810.